The following is an entry in ClinVar:

NM_172364.5(CACNA2D4):c.1726G>C (p.Glu576Gln)

Gene: CACNA2D4 (calcium voltage-gated channel auxiliary subunit alpha2delta 4; minus strand). Cytogenetic location: 12p13.33.
Variant type: single nucleotide variant.
Coding change: c.1726G>C on transcript NM_172364.5 (MANE Select); coding-DNA position 1726, G replaced by C.
Protein change: p.Glu576Gln; replaces glutamic acid 576 with glutamine.
Molecular consequence: missense variant.
Genome position (GRCh38, 1-based): chr12:1,875,331, C>G on the plus strand (G>C on the coding strand, the complement: CACNA2D4 is on the minus strand). VCF-style: chr12-1875331-C-G. GRCh37 (hg19) VCF-style: chr12-1984497-C-G.
Other names: short protein forms E576Q.
Identifiers: ClinVar variation 1432804 (VCV001432804.6), dbSNP rs1555184488, ClinGen allele CA383351582.
Genomic context (GRCh38, chr12:1,875,331, plus strand): 5'-ACTCCACTTCGGAGAGATCCACACTGTTGTAGTTAGGTTTGGGTTTTAGTTTCTTCCCCT[C>G]TCTGTACTGGAGTGGGCAGGTCAGGAAGAAAAACATGTGGTCAGTATACGTCCTGCTCAA-3'
Protein context (NP_758952.4, residues 566-586): SHPDLRPLYR[Glu576Gln]GKKLKPKPNY

ClinVar aggregate classification (germline): Uncertain significance (1 of 4 stars; one submission).

Submission:

Labcorp Genetics (formerly Invitae), Labcorp
Classification: Uncertain significance. Last evaluated: 2021-08-12. Review status: criteria provided, single submitter. Criteria: Invitae Variant Classification Sherloc (09022015). Collection method: clinical testing. Allele origin: germline.
Comment: In summary, the available evidence is currently insufficient to determine the role of this variant in disease. Therefore, it has been classified as a Variant of Uncertain Significance. Algorithms developed to predict the effect of missense changes on protein structure and function are either unavailable or do not agree on the potential impact of this missense change (SIFT: "Deleterious"; PolyPhen-2: "Possibly Damaging"; Align-GVGD: "Class C0"). This variant has not been reported in the literature in individuals affected with CACNA2D4-related conditions. This variant is not present in population databases (ExAC no frequency). This sequence change replaces glutamic acid with glutamine at codon 576 of the CACNA2D4 protein (p.Glu576Gln). The glutamic acid residue is highly conserved and there is a small physicochemical difference between glutamic acid and glutamine.